The following is an entry in ClinVar:

NC_000002.11:g.(?_233198544)_(233201346_?)dup

Gene: DIS3L2 (DIS3 like 3'-5' exoribonuclease 2; plus strand). Cytogenetic location: 2q37.1.
Variant type: Duplication.
Identifiers: ClinVar variation 463044 (VCV000463044.1).

ClinVar aggregate classification (germline): Uncertain significance (1 of 4 stars; one submission).

Conditions:
Perlman syndrome (PRLMNS). Identifiers: Orphanet 2849, MedGen C0796113, MONDO:0009965, OMIM 267000.

Submission:

Labcorp Genetics (formerly Invitae), Labcorp
Classification: Uncertain significance for Perlman syndrome. Last evaluated: 2017-07-20. Review status: criteria provided, single submitter. Criteria: Invitae Variant Classification Sherloc (09022015). Collection method: clinical testing. Allele origin: germline.
Comment: This variant is a gross duplication of the genomic region encompassing exons 17-21 of the DIS3L2 gene. The 5' boundary is likely confined to intron 16. The 3' end of this event is unknown as it extends beyond the assayed region for this gene and therefore may encompass additional genes. The exact location of this variant in the genome is unknown. This variant has not been reported in the literature in individuals with DIS3L2-related disease. Experimental studies and prediction algorithms are not available for this variant, and the functional significance of the duplicated amino acids is currently unknown. In summary, the available evidence is currently insufficient to determine the role of this variant in disease. Therefore, it has been classified as a Variant of Uncertain Significance.